The following is an entry in ClinVar:

NM_001886.3(CRYBA4):c.65T>C (p.Phe22Ser)

Gene: CRYBA4 (crystallin beta A4; plus strand). Cytogenetic location: 22q12.1.
Variant type: single nucleotide variant.
Coding change: c.65T>C on transcript NM_001886.3 (MANE Select); coding-DNA position 65, T replaced by C.
Protein change: p.Phe22Ser; replaces phenylalanine 22 with serine.
Molecular consequence: missense variant.
Genome position (GRCh38, 1-based): chr22:26,623,259, T>C. VCF-style: chr22-26623259-T-C. GRCh37 (hg19) VCF-style: chr22-27019223-T-C.
Other names: short protein forms F22S.
Identifiers: ClinVar variation 658406 (VCV000658406.12), dbSNP rs1602338380, ClinGen allele CA411037251.

ClinVar aggregate classification (germline): Uncertain significance. Review status: criteria provided, multiple submitters, no conflicts (2 of 4 stars). 3 submissions from 3 submitters: Uncertain significance (3). Last evaluated 2025-10-23.

Conditions:
CRYBA4-related disorder. Also called: CRYBA4-related condition.
Inborn genetic diseases. Identifiers: MedGen C0950123, MeSH D030342.
Cataract 23 (CTRCT23). Also called: CATARACT 23, LAMELLAR; Cataract 23, multiple types. Identifiers: Orphanet 91492, MedGen C3808012, MONDO:0012489, OMIM 610425.

Submissions (3):

Labcorp Genetics (formerly Invitae), Labcorp
Classification: Uncertain significance for Cataract 23. Last evaluated: 2025-10-23. Review status: criteria provided, single submitter. Criteria: Invitae Variant Classification Sherloc (09022015). Collection method: clinical testing. Allele origin: germline.
Comment: This sequence change replaces phenylalanine, which is neutral and non-polar, with serine, which is neutral and polar, at codon 22 of the CRYBA4 protein (p.Phe22Ser). This variant is not present in population databases (gnomAD no frequency). This variant has not been reported in the literature in individuals affected with CRYBA4-related conditions. ClinVar contains an entry for this variant (Variation ID: 658406). An algorithm developed to predict the effect of missense changes on protein structure and function (PolyPhen-2) suggests that this variant is likely to be disruptive. In summary, the available evidence is currently insufficient to determine the role of this variant in disease. Therefore, it has been classified as a Variant of Uncertain Significance.

Ambry Genetics
Classification: Uncertain significance for Inborn genetic diseases. Last evaluated: 2025-09-24. Review status: criteria provided, single submitter. Criteria: Ambry Variant Classification Scheme 2023. Collection method: clinical testing. Allele origin: germline.
Comment: The c.65T>C (p.F22S) alteration is located in exon 3 (coding exon 2) of the CRYBA4 gene. This alteration results from a T to C substitution at nucleotide position 65, causing the phenylalanine (F) at amino acid position 22 to be replaced by a serine (S). This variant was not reported in population-based cohorts in the Genome Aggregation Database (gnomAD). This amino acid position is highly conserved in available vertebrate species. This alteration is predicted to be deleterious by in silico analysis. Based on insufficient or conflicting evidence, the clinical significance of this alteration remains unclear.

PreventionGenetics, part of Exact Sciences
Classification: Uncertain significance for CRYBA4-related condition. Last evaluated: 2025-08-27. Review status: criteria provided, single submitter. Criteria: ACMG Guidelines, 2015. Collection method: clinical testing. Allele origin: germline.
Comment: The CRYBA4 c.65T>C variant is predicted to result in the amino acid substitution p.Phe22Ser. To our knowledge, this variant has not been reported in the literature or in a large population database (gnomAD), indicating this variant is rare. At this time, the clinical significance of this variant is uncertain due to the absence of conclusive functional and genetic evidence.